The following is an entry in ClinVar:

ClinVar aggregate classification (germline): Pathogenic/Likely pathogenic. Review status: criteria provided, multiple submitters, no conflicts (2 of 4 stars). 7 submissions from 7 submitters: Pathogenic (2); Likely pathogenic (3). 2 of the submissions do not count toward it. Last evaluated 2026-01-05.

Conditions:
MTHFD1-related disorder. Also called: MTHFD1-related condition.
Severe combined immunodeficiency disease. Also called: Severe combined immunodeficiency; Severe Combined Immune Deficiency. Identifiers: Orphanet 183660, MedGen C0085110, MeSH D016511, MONDO:0015974, HP:0004430. Inheritance: X-Linked or Autosomal recessive.
Combined immunodeficiency and megaloblastic anemia with or without hyperhomocysteinemia. Also called: METHYLENETETRAHYDROFOLATE DEHYDROGENASE 1 DEFICIENCY; COMBINED IMMUNODEFICIENCY AND MEGALOBLASTIC ANEMIA. Identifiers: Orphanet 658813, MedGen C4540434, MONDO:0060611, OMIM 617780.

Allele frequency attached by ClinVar (database versions not stated): ExAC 0.00004; gnomAD exomes 0.00004 and 0.00010; gnomAD 0.00007; TOPMed 0.00009; ESP Exome Variant Server 0.00015.
gnomAD v4.1: 151 of 1,613,076 alleles (0.0094%); highest among the groups gnomAD compares: Non-Finnish European, 0.011%; no homozygotes.

Submissions (7):

Labcorp Genetics (formerly Invitae), Labcorp
Classification: Pathogenic. Last evaluated: 2026-01-05. Review status: criteria provided, single submitter. Criteria: Invitae Variant Classification Sherloc (09022015). Collection method: clinical testing. Allele origin: germline.
Comment: This sequence change replaces arginine, which is basic and polar, with cysteine, which is neutral and slightly polar, at codon 173 of the MTHFD1 protein (p.Arg173Cys). This variant is present in population databases (rs141210410, gnomAD 0.05%). This missense change has been observed in individual(s) with clinical features of methylenetetrahydrofolate dehydrogenase 1 deficiency (PMID: 21813566, 23296427, 37690615). In at least one individual the data is consistent with being in trans (on the opposite chromosome) from a pathogenic variant. ClinVar contains an entry for this variant (Variation ID: 446303). Invitae Evidence Modeling of protein sequence and biophysical properties (such as structural, functional, and spatial information, amino acid conservation, physicochemical variation, residue mobility, and thermodynamic stability) indicates that this missense variant is expected to disrupt MTHFD1 protein function with a positive predictive value of 80%. Experimental studies have shown that this missense change affects MTHFD1 function (PMID: 25548164). For these reasons, this variant has been classified as Pathogenic.

Blueprint Genetics
Classification: Likely pathogenic for MTHFD1-related disorders. Last evaluated: 2024-08-14. Review status: criteria provided, single submitter. Criteria: ACMG Guidelines, 2015. Collection method: clinical testing. Allele origin: germline. Affected: yes. Observed: 3 variant alleles.

GeneDx
Classification: Pathogenic. Last evaluated: 2023-06-02. Review status: criteria provided, single submitter. Criteria: GeneDx Variant Classification Process June 2021. Collection method: clinical testing. Allele origin: germline. Affected: yes.
Comment: Published functional studies suggest a damaging effect with compromised dehydrogenase activity and impaired de novo purine synthesis (Field et al., 2015); In silico analysis, which includes protein predictors and evolutionary conservation, supports a deleterious effect; This variant is associated with the following publications: (PMID: 23296427, 31203817, 31130284, 21813566, 32414565, 25548164)

Women's Health and Genetics/Laboratory Corporation of America, LabCorp
Classification: Likely pathogenic for Severe combined immunodeficiency disease. Last evaluated: 2022-12-28. Review status: criteria provided, single submitter. Criteria: LabCorp Variant Classification Summary - May 2015. Collection method: clinical testing. Allele origin: germline.
Comment: Variant summary: MTHFD1 c.517C>T (p.Arg173Cys) results in a non-conservative amino acid change located in the Tetrahydrofolate dehydrogenase/cyclohydrolase, NAD(P)-binding domain (IPR020631) of the encoded protein sequence. Five of five in-silico tools predict a damaging effect of the variant on protein function. The variant allele was found at a frequency of 3.6e-05 in 251418 control chromosomes. c.517C>T has been reported in the literature as a biallelic compound heterozygous genotype in at-least one individual affected with features of Severe Combined Immunodeficiency (SCID) with megaloblastic anemia, leukopenia, atypical hemolytic uremic syndrome, and neurologic abnormalities in which hydroxocobalamin and folate therapy provided partial immune reconstitution (PMID 25548164). It has also been reported as a homozygous genotype in settings of Primary Immunodeficiency (PID). These data indicate that the variant is likely to be associated with disease (example, PMID: 31203817, 32414565, 25548164, 23296427). At least one publication reports experimental evidence evaluating an impact on protein function, recombinant R173C MTHFD C/D mutant protein exhibited 2.5-fold increased Km for NADP+ (P < 0.01), suggesting that the enzyme produced from this allele has compromised D (dehydrogenase) activity (PMID: 25548164). Four clinical diagnostic laboratories have submitted clinical-significance assessments for this variant to ClinVar after 2014 (P/LP, n=3; VUS, n=1). Based on the evidence outlined above, the variant was classified as likely pathogenic.

SIB Swiss Institute of Bioinformatics
Classification: Likely pathogenic for Combined immunodeficiency and megaloblastic anemia with or without hyperhomocysteinemia. Last evaluated: 2018-10-15. Review status: criteria provided, single submitter. Criteria: ACMG Guidelines, 2015. Collection method: curation. Allele origin: germline.
Comment: This variant is interpreted as Likely Pathogenic, for Combined immunodeficiency and megaloblastic anemia with or without hyperhomocysteinemia, autosomal recessive. The following ACMG Tag(s) were applied: PM2 => Absent from controls (or at extremely low frequency if recessive) in Exome Sequencing Project, 1000 Genomes Project, or Exome Aggregation Consortium. PP3 => Multiple lines of computational evidence support a deleterious effect on the gene or gene product. PM3 => For recessive disorders, detected in trans with a pathogenic variant (PubMed 21813566). PP1 => Cosegregation with disease in multiple affected family members in a gene definitively known to cause the disease (PubMed 21813566). PM1 => Located in a mutational hot spot and/or critical and well-established functional domain (e.g., active site of an enzyme) without benign variation.

Biochemical Molecular Genetic Laboratory, King Abdulaziz Medical City
Classification: Pathogenic for Combined immunodeficiency and megaloblastic anemia with or without hyperhomocysteinemia. Last evaluated: 2019-09-26. Review status: no assertion criteria provided. Collection method: clinical testing. Allele origin: germline. Affected: yes. Not counted in ClinVar's aggregate classification.

OMIM
Classification: Pathogenic for COMBINED IMMUNODEFICIENCY AND MEGALOBLASTIC ANEMIA WITH HYPERHOMOCYSTEINEMIA. Last evaluated: 2017-11-21. Review status: no assertion criteria provided. Collection method: literature only. Allele origin: germline. Not counted in ClinVar's aggregate classification.

Literature cited by the submitters: PubMed 21813566 (cited by 3 submitters); PubMed 23296427 (cited by Labcorp Genetics (formerly Invitae), Labcorp and Women's Health and Genetics/Laboratory Corporation of America, LabCorp); PubMed 37690615 (cited by Labcorp Genetics (formerly Invitae), Labcorp); PubMed 25548164 (cited by Labcorp Genetics (formerly Invitae), Labcorp and Women's Health and Genetics/Laboratory Corporation of America, LabCorp); PubMed 31203817 (cited by Women's Health and Genetics/Laboratory Corporation of America, LabCorp); PubMed 32414565 (cited by Women's Health and Genetics/Laboratory Corporation of America, LabCorp).

NM_005956.4(MTHFD1):c.517C>T (p.Arg173Cys)

Gene: MTHFD1 (methylenetetrahydrofolate dehydrogenase, cyclohydrolase and formyltetrahydrofolate synthetase 1; plus strand). Cytogenetic location: 14q23.3.
Variant type: single nucleotide variant.
Coding change: c.517C>T on transcript NM_005956.4 (MANE Select); coding-DNA position 517, C replaced by T.
Protein change: p.Arg173Cys; replaces arginine 173 with cysteine.
Molecular consequence: missense variant.
Genome position (GRCh38, 1-based): chr14:64,417,926, C>T. VCF-style: chr14-64417926-C-T. GRCh37 (hg19) VCF-style: chr14-64884644-C-T.
Other names: c.517C>T, p.Arg173Cys (LRG_1243t1, NM_001364837.1); short protein forms R173C.
Identifiers: ClinVar variation 446303 (VCV000446303.15), dbSNP rs141210410, ClinGen allele CA7225962.